The following is an entry in ClinVar:

ClinVar aggregate classification (germline): Pathogenic/Likely pathogenic. Review status: criteria provided, multiple submitters, no conflicts (2 of 4 stars). 2 submissions from 2 submitters: Pathogenic (1); Likely pathogenic (1). Last evaluated 2023-02-17.

Conditions:
Leber congenital amaurosis 4 (LCA4). Identifiers: MedGen C1858386, MONDO:0011458, OMIM 604393.
AIPL1-related disorder. Also called: AIPL1-related condition; AIPL1-related disorders. Identifiers: MedGen CN239169.

Allele frequency attached by ClinVar (database versions not stated): gnomAD exomes below 0.00001; ExAC 0.00001.

Submissions (2):

Labcorp Genetics (formerly Invitae), Labcorp
Classification: Pathogenic for Leber congenital amaurosis 4. Last evaluated: 2023-02-17. Review status: criteria provided, single submitter. Criteria: Invitae Variant Classification Sherloc (09022015). Collection method: clinical testing. Allele origin: germline.
Comment: This sequence change affects the initiator methionine of the AIPL1 mRNA. The next in-frame methionine is located at codon 40. This variant is present in population databases (rs757900399, gnomAD 0.0009%). This variant has not been reported in the literature in individuals affected with AIPL1-related conditions. This variant disrupts a region of the AIPL1 protein in which other variant(s) (p.Thr39Asn) have been determined to be pathogenic (PMID: 12573663, 33067476). This suggests that this is a clinically significant region of the protein, and that variants that disrupt it are likely to be disease-causing. For these reasons, this variant has been classified as Pathogenic.

Blueprint Genetics
Classification: Likely pathogenic for AIPL1-related disorders. Last evaluated: 2022-11-16. Review status: criteria provided, single submitter. Criteria: ACMG Guidelines, 2015. Collection method: clinical testing. Allele origin: germline. Affected: yes. Observed: 1 variant allele.

Literature cited by the submitters: PubMed 12573663 (cited by Labcorp Genetics (formerly Invitae), Labcorp); PubMed 33067476 (cited by Labcorp Genetics (formerly Invitae), Labcorp).

NM_014336.5(AIPL1):c.1A>G (p.Met1Val)

Gene: AIPL1 (AIP like 1 HSP90 co-chaperone; minus strand). Cytogenetic location: 17p13.2.
Variant type: single nucleotide variant.
Coding change: c.1A>G on transcript NM_014336.5 (MANE Select); coding-DNA position 1, A replaced by G.
Protein change: p.Met1Val; changes the start codon (methionine 1).
Molecular consequence: missense variant, initiator codon variant. On other transcripts: 5 prime UTR variant (1).
Genome position (GRCh38, 1-based): chr17:6,435,104, T>C on the plus strand (A>G on the coding strand, the complement: AIPL1 is on the minus strand). VCF-style: chr17-6435104-T-C. GRCh37 (hg19) VCF-style: chr17-6338424-T-C.
Other names: c.1A>G, p.Met1Val (NM_001033054.3, NM_001033055.3, NM_001285399.3 and 3 more transcripts); c.-175A>G (NM_001285402.2); short protein forms M1V.
Identifiers: ClinVar variation 2803843 (VCV002803843.5), dbSNP rs757900399, ClinGen allele CA8328685.
Genomic context (GRCh38, chr17:6,435,104, plus strand): 5'-TGCCCCCGTGCAGAATGGTTTTCTTGACCCCTTCCACGTTCAGGAGCAGAGCGGCATCCA[T>C]GGCTGCAGGAGAAAGGGAGGTGTCCAGCACAGGCGGAGATAATCTCACCTCCGGGGAAGA-3'
Protein context (NP_055151.3, residues 1-11): [Met1Val]DAALLLNVEG